The following is an entry in ClinVar:

NM_001258392.3(CLPB):c.491A>G (p.His164Arg)

Gene: CLPB (ClpB family mitochondrial disaggregase; minus strand). Cytogenetic location: 11q13.4.
Variant type: single nucleotide variant.
Coding change: c.491A>G on transcript NM_001258392.3 (MANE Select); coding-DNA position 491, A replaced by G.
Protein change: p.His164Arg; replaces histidine 164 with arginine.
Molecular consequence: missense variant. On other transcripts: intron variant (1).
Genome position (GRCh38, 1-based): chr11:72,403,017, T>C on the plus strand (A>G on the coding strand, the complement: CLPB is on the minus strand). VCF-style: chr11-72403017-T-C. GRCh37 (hg19) VCF-style: chr11-72114061-T-C.
Other names: c.491A>G (NM_030813.5); c.356A>G, p.His119Arg (NM_001258394.3); c.491A>G, p.His164Arg (NM_030813.6); c.456-22633A>G (NM_001258393.3); short protein forms H119R, H164R.
Identifiers: ClinVar variation 2910669 (VCV002910669.4), dbSNP rs759610125, ClinGen allele CA381964636.

ClinVar aggregate classification (germline): Uncertain significance. Review status: criteria provided, multiple submitters, no conflicts (2 of 4 stars). 2 submissions from 2 submitters: Uncertain significance (2). Last evaluated 2023-11-01.

Conditions:
3-methylglutaconic aciduria, type VIIB (MGCA7B). Also called: 3-methylglutaconic aciduria with cataracts, neurologic involvement and neutropenia; 3-methylglutaconic aciduria, type VII, with cataracts, neurologic involvement and neutropenia; CLPB Deficiency. Identifiers: Orphanet 445038, MedGen C5676893, MONDO:0014561, OMIM 616271.

Submissions (2):

GeneDx
Classification: Uncertain significance. Last evaluated: 2023-11-01. Review status: criteria provided, single submitter. Criteria: GeneDx Variant Classification Process June 2021. Collection method: clinical testing. Allele origin: germline. Affected: yes.
Comment: Has not been previously published as pathogenic or benign to our knowledge; Not observed at significant frequency in large population cohorts (gnomAD); In silico analysis supports that this missense variant has a deleterious effect on protein structure/function

Labcorp Genetics (formerly Invitae), Labcorp
Classification: Uncertain significance for 3-methylglutaconic aciduria, type VIIB. Last evaluated: 2023-02-16. Review status: criteria provided, single submitter. Criteria: Invitae Variant Classification Sherloc (09022015). Collection method: clinical testing. Allele origin: germline.
Comment: In summary, the available evidence is currently insufficient to determine the role of this variant in disease. Therefore, it has been classified as a Variant of Uncertain Significance. This sequence change replaces histidine, which is basic and polar, with arginine, which is basic and polar, at codon 164 of the CLPB protein (p.His164Arg). This variant is not present in population databases (gnomAD no frequency). This variant has not been reported in the literature in individuals affected with CLPB-related conditions. An algorithm developed to predict the effect of missense changes on protein structure and function (PolyPhen-2) suggests that this variant is likely to be disruptive.